The following is an entry in ClinVar:

NM_007294.4(BRCA1):c.241_251del (p.Gln81fs)

Gene: BRCA1 (BRCA1 DNA repair associated; minus strand). Cytogenetic location: 17q21.31.
Variant type: Deletion.
Coding change: c.241_251del on transcript NM_007294.4 (MANE Select); coding-DNA positions 241 to 251, 11 bases deleted (CAACTTGTTGA).
Protein change: p.Gln81fs; shifts the reading frame from glutamine 81.
Molecular consequence: frameshift variant. On other transcripts: non-coding transcript variant (1).
Genome position (GRCh38, 1-based): chr17:43,104,918-43,104,928, TCAACAAGTTG deleted on the plus strand (CAACTTGTTGA on the coding strand, the reverse complement: BRCA1 is on the minus strand). VCF-style (leftmost placement, unchanged base first): chr17-43104917-TTCAACAAGTTG-T. GRCh37 (hg19) VCF-style: chr17-41256934-TTCAACAAGTTG-T.
Other names: 360del11; c.-141_-131delCAACTTGTTGA (NM_001407960.1, NM_001407962.1, NM_001407963.1 and 4 more transcripts); c.100_110delCAACTTGTTGA, p.Gln34Argfs (NM_001407964.1, NM_001408410.1, NM_001408452.1 and 98 more transcripts); c.241_251delCAACTTGTTGA, p.Gln81Argfs (NM_001407968.1, NM_001407969.1, NM_001407970.1 and 166 more transcripts); c.163_173delCAACTTGTTGA, p.Gln55Argfs (NM_001408409.1, NM_001408411.1, NM_001408412.1 and 21 more transcripts); c.109_119delCAACTTGTTGA, p.Gln37Argfs (NM_001408451.1); c.31_41delCAACTTGTTGA, p.Gln11Argfs (NM_001408478.1, NM_001408479.1, NM_001408480.1 and 58 more transcripts); c.100_110del, p.Gln34fs (NM_007297.4); and 1 more; short protein forms Q34fs, Q81fs.
Identifiers: ClinVar variation 91588 (VCV000091588.3), dbSNP rs398122659, ClinGen allele CA001606.

ClinVar aggregate classification (germline): Pathogenic. Review status: reviewed by expert panel (3 of 4 stars). 2 submissions from 2 submitters: Pathogenic (1). 1 of the submissions does not count toward it. Last evaluated 2016-09-08.

Conditions:
Breast-ovarian cancer, familial, susceptibility to, 1 (BROVCA1). Also called: BRCA1 Hereditary Breast and Ovarian Cancer; OVARIAN CANCER, SUSCEPTIBILITY TO. Identifiers: Orphanet 145, MedGen C2676676, MONDO:0011450, OMIM 604370. Disease mechanism: loss of function.

Submissions (2):

Evidence-based Network for the Interpretation of Germline Mutant Alleles (ENIGMA)
Classification: Pathogenic for Breast-ovarian cancer, familial, susceptibility to, 1. Last evaluated: 2016-09-08. Review status: reviewed by expert panel. Criteria: ENIGMA BRCA1/2 Classification Criteria (2015). Collection method: curation. Allele origin: germline.
Comment: Variant allele predicted to encode a truncated non-functional protein.

Sharing Clinical Reports Project (SCRP)
Classification: Pathogenic for Breast-ovarian cancer, familial 1. Last evaluated: 2009-07-17. Review status: no assertion criteria provided. Collection method: clinical testing. Allele origin: germline. Not counted in ClinVar's aggregate classification.